The following is an entry in ClinVar:

ClinVar aggregate classification (germline): Pathogenic. Review status: criteria provided, multiple submitters, no conflicts (2 of 4 stars). 5 submissions from 5 submitters: Pathogenic (3). 2 of the submissions do not count toward it. Last evaluated 2025-12-24.

Conditions:
F9-related disorder. Also called: F9-related condition.
Hereditary factor IX deficiency disease (HEMB). Also called: PLASMA THROMBOPLASTIN COMPONENT DEFICIENCY; Christmas Disease; Hemophilia B; F9 DEFICIENCY; FACTOR IX DEFICIENCY. Identifiers: Orphanet 98879, MedGen C0008533, MeSH D002836, MONDO:0010604, OMIM 306900.
Hemophilia b(m). Identifiers: MedGen CN043453.

Submissions (5):

Natera, Inc.
Classification: Pathogenic for Hemophilia B. Last evaluated: 2025-12-24. Review status: criteria provided, single submitter. Criteria: Natera Variant Classification Schema (03/2026). Collection method: clinical testing. Allele origin: germline.
Comment: The c.677G>A variant in F9 is a missense variant predicted to cause substitution of arginine to glutamine at amino acid 226. This variant is rare in the general population with a frequency below the threshold expected for the associated phenotype(s). This variant has been observed in affected individual(s) with monoallelic occurrence (heterozygous/hemizygous) (PMID: 28722788, 12709378, 17014892). Functional studies show that this variant may disrupt protein function (PMID: 31537632). This variant is located in a functionally critical region of the protein. A different variant at the same position has been determined to be Pathogenic or Likely Pathogenic. Computational prediction algorithms indicate this variant is likely to affect gene or protein function. Given the available evidence, this variant is classified as Pathogenic.

GeneDx
Classification: Pathogenic. Last evaluated: 2024-06-21. Review status: criteria provided, single submitter. Criteria: GeneDx Variant Classification Process June 2021. Collection method: clinical testing. Allele origin: germline. Affected: yes.
Comment: In silico analysis supports that this missense variant has a deleterious effect on protein structure/function; Not observed at significant frequency in large population cohorts (gnomAD); This variant is associated with the following publications: (PMID: 34626083, 33760382, 2713493, 19699296, 25251685, 8217825, 24375831, 17397055, 32875744, 27109384, 31257730, 22639855)

Genetic Diagnostics Department, Viafet Genomics Laboratory
Classification: Pathogenic for Hereditary factor IX deficiency disease. Last evaluated: 2016-01-11. Review status: criteria provided, single submitter. Criteria: ACMG Guidelines, 2015. Collection method: clinical testing. Allele origin: germline. Inheritance: X-linked inheritance. Affected: no. Observed: 1 variant allele, 1 heterozygote.
Comment: This variant has been identified in several patients affected with Hemophilia B (PMIDs: 22639855 and 32875744).

PreventionGenetics, part of Exact Sciences
Classification: Pathogenic for F9-related condition. Last evaluated: 2024-03-27. Review status: no assertion criteria provided. Collection method: clinical testing. Allele origin: germline. Not counted in ClinVar's aggregate classification.
Comment: The F9 c.677G>A variant is predicted to result in the amino acid substitution p.Arg226Gln. This variant, and other substitutions of amino acid residue p.Arg226, including p.Arg226Gly, p.Arg226Trp, p.Arg226Pro, and p.Arg226Leu, have been reported in many patients with mostly severe hemophilia B (see the Factor IX Gene (F9) Variant Database; Hamasaki-Katagiri et al. 2012. PubMed ID: 22639855; Giannelli et al. 1994. PubMed ID: 7937052; Huang et al. 2020. PubMed ID: 32875744). This variant has not been reported in a large population database, indicating this variant is rare. This variant is interpreted as pathogenic.

OMIM
Classification: Pathogenic for HEMOPHILIA B(M). Last evaluated: 1993-07-01. Review status: no assertion criteria provided. Collection method: literature only. Allele origin: germline. Not counted in ClinVar's aggregate classification.

Literature cited by the submitters: PubMed 28722788 (cited by Natera, Inc.); PubMed 12709378 (cited by Natera, Inc.); PubMed 17014892 (cited by Natera, Inc.); PubMed 31537632 (cited by Natera, Inc.); PubMed 22639855 (cited by Genetic Diagnostics Department, Viafet Genomics Laboratory); PubMed 32875744 (cited by Genetic Diagnostics Department, Viafet Genomics Laboratory); PubMed 2563663 (cited by OMIM); PubMed 734633 (cited by OMIM); PubMed 8352232 (cited by OMIM).

NM_000133.4(F9):c.677G>A (p.Arg226Gln)

Gene: F9 (coagulation factor IX; plus strand). Cytogenetic location: Xq27.1.
Variant type: single nucleotide variant.
Coding change: c.677G>A on transcript NM_000133.4 (MANE Select); coding-DNA position 677, G replaced by A.
Protein change: p.Arg226Gln; replaces arginine 226 with glutamine.
Molecular consequence: missense variant.
Genome position (GRCh38, 1-based): chrX:139,551,218, G>A. VCF-style: chrX-139551218-G-A. GRCh37 (hg19) VCF-style: chrX-138633377-G-A.
Other names: F9, ARG180GLN; R180Q; c.563G>A, p.Arg188Gln (NM_001313913.2); short protein forms R226Q, R188Q.
Identifiers: ClinVar variation 10591 (VCV000010591.5), dbSNP rs137852241, ClinGen allele CA121128.